The following is an entry in ClinVar:

ClinVar aggregate classification (germline): Uncertain significance. Review status: criteria provided, multiple submitters, no conflicts (2 of 4 stars). 2 submissions from 2 submitters: Uncertain significance (2). Last evaluated 2025-03-16.

Conditions:
Familial sleep-related hypermotor epilepsy. Also called: Autosomal Dominant Sleep-Related Hypermotor (Hyperkinetic) Epilepsy. Identifiers: Orphanet 98784, MedGen C3696898, MONDO:0000030.

Submissions (2):

Labcorp Genetics (formerly Invitae), Labcorp
Classification: Uncertain significance. Last evaluated: 2025-03-16. Review status: criteria provided, single submitter. Criteria: Invitae Variant Classification Sherloc (09022015). Collection method: clinical testing. Allele origin: germline.
Comment: This sequence change replaces alanine, which is neutral and non-polar, with glycine, which is neutral and non-polar, at codon 506 of the CHRNA4 protein (p.Ala506Gly). This variant is not present in population databases (gnomAD no frequency). This variant has not been reported in the literature in individuals affected with CHRNA4-related conditions. ClinVar contains an entry for this variant (Variation ID: 1706732). Invitae Evidence Modeling of protein sequence and biophysical properties (such as structural, functional, and spatial information, amino acid conservation, physicochemical variation, residue mobility, and thermodynamic stability) indicates that this missense variant is not expected to disrupt CHRNA4 protein function with a negative predictive value of 80%. In summary, the available evidence is currently insufficient to determine the role of this variant in disease. Therefore, it has been classified as a Variant of Uncertain Significance.

GeneDx
Classification: Uncertain significance. Last evaluated: 2022-03-25. Review status: criteria provided, single submitter. Criteria: GeneDx Variant Classification Process June 2021. Collection method: clinical testing. Allele origin: germline. Affected: yes.
Comment: Not observed at significant frequency in large population cohorts (gnomAD); In silico analysis supports that this missense variant does not alter protein structure/function; Has not been previously published as pathogenic or benign to our knowledge

NM_000744.7(CHRNA4):c.1517C>G (p.Ala506Gly)

Gene: CHRNA4 (cholinergic receptor nicotinic alpha 4 subunit; minus strand). Cytogenetic location: 20q13.33.
Variant type: single nucleotide variant.
Coding change: c.1517C>G on transcript NM_000744.7 (MANE Select); coding-DNA position 1517, C replaced by G.
Protein change: p.Ala506Gly; replaces alanine 506 with glycine.
Molecular consequence: missense variant. On other transcripts: non-coding transcript variant (1).
Genome position (GRCh38, 1-based): chr20:63,349,894, G>C on the plus strand (C>G on the coding strand, the complement: CHRNA4 is on the minus strand). VCF-style: chr20-63349894-G-C. GRCh37 (hg19) VCF-style: chr20-61981246-G-C.
Other names: c.989C>G, p.Ala330Gly (NM_001256573.2); short protein forms A330G, A506G.
Identifiers: ClinVar variation 1706732 (VCV001706732.3), dbSNP rs1317311176, ClinGen allele CA409633180.
Genomic context (GRCh38, chr20:63,349,894, plus strand): 5'-GGCTGGTCTGGGGGTGGGAGCTCAGCCGAGTGGGTGTTGCGAGAGGCCAGGGCGCCGGCA[G>C]CCTGGCCATCTGCCTCGGGGGCGGCATCGTCTCGGGGAACACAGTACTGGATGCTCCGAG-3'
Protein context (NP_000735.1, residues 496-516): DDAAPEADGQ[Ala506Gly]AGALASRNTH